The following is an entry in ClinVar:

NM_000051.4(ATM):c.7355T>G (p.Leu2452Arg)

Genes: ATM (ATM serine/threonine kinase; plus strand), C11orf65 (chromosome 11 open reading frame 65; minus strand). Cytogenetic location: 11q22.3.
Variant type: single nucleotide variant.
Coding change: c.7355T>G on transcript NM_000051.4 (MANE Select); coding-DNA position 7355, T replaced by G.
Protein change: p.Leu2452Arg; replaces leucine 2452 with arginine.
Molecular consequence: missense variant. On other transcripts: intron variant (2).
Genome position (GRCh38, 1-based): chr11:108,330,261, T>G. VCF-style: chr11-108330261-T-G. GRCh37 (hg19) VCF-style: chr11-108200988-T-G.
Other names: c.7355T>G, p.Leu2452Arg (NM_001351834.2); c.641-21190A>C (NM_001330368.2); c.*38+4959A>C (NM_001351110.2); short protein forms L2452R.
Identifiers: ClinVar variation 1489822 (VCV001489822.10), dbSNP rs1555123032, ClinGen allele CA382559951.
Genomic context (GRCh38, chr11:108,330,261, plus strand): 5'-TATTCTATGCAAGATACACAGTAAAGGTTCAGCGAGAGCTGGAGTTGGATGAATTAGCCC[T>G]GCGTGCACTGAAAGAGGATCGTAAACGCTTCTTATGTAAAGCAGTTGAAAATTATATCAA-3'
Protein context (NP_000042.3, residues 2442-2462): QRELELDELA[Leu2452Arg]RALKEDRKRF

ClinVar aggregate classification (germline): Uncertain significance. Review status: criteria provided, multiple submitters, no conflicts (2 of 4 stars). 2 submissions from 2 submitters: Uncertain significance (2). Last evaluated 2025-05-22.

Conditions:
Hereditary cancer-predisposing syndrome. Also called: Neoplastic Syndromes, Hereditary; Tumor predisposition; Hereditary Cancer Syndrome; Hereditary neoplastic syndrome. Identifiers: Orphanet 140162, MedGen C0027672, MeSH D009386, MONDO:0015356.
Ataxia-telangiectasia syndrome (AT). Also called: LOUIS-BAR SYNDROME; Cerebello-oculocutaneous telangiectasia; Immunodeficiency with ataxia telangiectasia; Ataxia telangiectasia (A-T); Ataxia-telangiectasia, complementation group D; AT, COMPLEMENTATION GROUP C. Identifiers: Orphanet 100, MedGen C0004135, MONDO:0008840, OMIM 208900.

Submissions (2):

Ambry Genetics
Classification: Uncertain significance for Hereditary cancer-predisposing syndrome. Last evaluated: 2025-05-22. Review status: criteria provided, single submitter. Criteria: Ambry Variant Classification Scheme 2023. Collection method: clinical testing. Allele origin: germline.
Comment: The p.L2452R variant (also known as c.7355T>G), located in coding exon 49 of the ATM gene, results from a T to G substitution at nucleotide position 7355. The leucine at codon 2452 is replaced by arginine, an amino acid with dissimilar properties. This amino acid position is well conserved in available vertebrate species. In addition, the in silico prediction for this alteration is inconclusive. Based on the available evidence, the clinical significance of this variant remains unclear.

Labcorp Genetics (formerly Invitae), Labcorp
Classification: Uncertain significance for Ataxia-telangiectasia syndrome. Last evaluated: 2021-09-21. Review status: criteria provided, single submitter. Criteria: Invitae Variant Classification Sherloc (09022015). Collection method: clinical testing. Allele origin: germline.
Comment: This variant has not been reported in the literature in individuals affected with ATM-related conditions. This sequence change replaces leucine with arginine at codon 2452 of the ATM protein (p.Leu2452Arg). The leucine residue is moderately conserved and there is a moderate physicochemical difference between leucine and arginine. This variant is not present in population databases (ExAC no frequency). Advanced modeling of protein sequence and biophysical properties (such as structural, functional, and spatial information, amino acid conservation, physicochemical variation, residue mobility, and thermodynamic stability) performed at Invitae indicates that this missense variant is expected to disrupt ATM protein function. In summary, the available evidence is currently insufficient to determine the role of this variant in disease. Therefore, it has been classified as a Variant of Uncertain Significance.